The following is an entry in ClinVar:

NM_002579.3(PALM):c.903C>G (p.Ile301Met)

Gene: PALM (paralemmin; plus strand). Cytogenetic location: 19p13.3.
Variant type: single nucleotide variant.
Coding change: c.903C>G on transcript NM_002579.3 (MANE Select); coding-DNA position 903, C replaced by G.
Protein change: p.Ile301Met; replaces isoleucine 301 with methionine.
Molecular consequence: missense variant.
Genome position (GRCh38, 1-based): chr19:746,553, C>G. VCF-style: chr19-746553-C-G. GRCh37 (hg19) VCF-style: chr19-746553-C-G.
Other names: c.771C>G, p.Ile257Met (NM_001040134.2); short protein forms I257M, I301M.
Identifiers: ClinVar variation 2834120 (VCV002834120.3), dbSNP rs1219521117, ClinGen allele CA402891250.

ClinVar aggregate classification (germline): Uncertain significance (1 of 4 stars; one submission).

gnomAD v4.1: 2 of 1,613,436 alleles (0.00012%); highest among the groups gnomAD compares: South Asian, 0.0022%; no homozygotes.

Submission:

Labcorp Genetics (formerly Invitae), Labcorp
Classification: Uncertain significance. Last evaluated: 2025-12-19. Review status: criteria provided, single submitter. Criteria: Invitae Variant Classification Sherloc (09022015). Collection method: clinical testing. Allele origin: germline.
Comment: This sequence change replaces isoleucine, which is neutral and non-polar, with methionine, which is neutral and non-polar, at codon 301 of the PALM protein (p.Ile301Met). This variant is present in population databases (no rsID available, gnomAD 0.003%). This variant has not been reported in the literature in individuals affected with PALM-related conditions. ClinVar contains an entry for this variant (Variation ID: 2834120). An algorithm developed to predict the effect of missense changes on protein structure and function (PolyPhen-2) suggests that this variant is likely to be disruptive. In summary, the available evidence is currently insufficient to determine the role of this variant in disease. Therefore, it has been classified as a Variant of Uncertain Significance.